The following is an entry in ClinVar:

NM_000038.6(APC):c.6637A>G (p.Met2213Val)

Gene: APC (APC regulator of Wnt signaling pathway; plus strand). Cytogenetic location: 5q22.2.
Variant type: single nucleotide variant.
Coding change: c.6637A>G on transcript NM_000038.6 (MANE Select); coding-DNA position 6637, A replaced by G.
Protein change: p.Met2213Val; replaces methionine 2213 with valine.
Molecular consequence: missense variant.
Genome position (GRCh38, 1-based): chr5:112,842,231, A>G. VCF-style: chr5-112842231-A-G. GRCh37 (hg19) VCF-style: chr5-112177928-A-G.
Other names: c.6637A>G, p.Met2213Val (NM_001127510.3, NM_001354895.2); c.6583A>G, p.Met2195Val (NM_001127511.3); c.6691A>G, p.Met2231Val (NM_001354896.2); c.6667A>G, p.Met2223Val (NM_001354897.2); c.6562A>G, p.Met2188Val (NM_001354898.2); c.6553A>G, p.Met2185Val (NM_001354899.2); c.6514A>G, p.Met2172Val (NM_001354900.2); c.6460A>G, p.Met2154Val (NM_001354901.2); and 5 more; short protein forms M2195V, M2213V, M2087V, M2172V, M2185V, M1930V, M2053V, M2231V.
Identifiers: ClinVar variation 142044 (VCV000142044.33), dbSNP rs186926737, ClinGen allele CA012319.

ClinVar aggregate classification (germline): Conflicting classifications of pathogenicity. Review status: criteria provided, conflicting classifications (1 of 4 stars). 11 submissions from 11 submitters: Uncertain significance (2); Benign (1); Likely benign (7). 1 of the submissions does not count toward it. Last evaluated 2026-01-18.

Conditions:
APC-related disorder. Also called: APC-related condition.
Hereditary cancer. Identifiers: MedGen C1333600.
Hereditary cancer-predisposing syndrome. Also called: Tumor predisposition; Neoplastic Syndromes, Hereditary; Hereditary neoplastic syndrome; Hereditary Cancer Syndrome. Identifiers: Orphanet 140162, MedGen C0027672, MeSH D009386, MONDO:0015356.
Familial adenomatous polyposis 1 (FAP1). Also called: FAMILIAL ADENOMATOUS POLYPOSIS 1, ATTENUATED; POLYPOSIS, ADENOMATOUS INTESTINAL. Identifiers: MedGen C2713442, MONDO:0021056, OMIM 175100. Disease mechanism: loss of function.

Allele frequency attached by ClinVar (database versions not stated): gnomAD exomes 0.00002 and 0.00003; ExAC 0.00003; ESP Exome Variant Server 0.00015; gnomAD 0.00017 and 0.00018; TOPMed 0.00017; 1000 Genomes Project 30x 0.00031; 1000 Genomes Project 0.00040.
gnomAD v4.1: 54 of 1,614,044 alleles (0.0033%); highest among the groups gnomAD compares: African/African-American, 0.049%; no homozygotes.

Submissions (11):

Labcorp Genetics (formerly Invitae), Labcorp
Classification: Likely benign for Familial adenomatous polyposis 1. Last evaluated: 2026-01-18. Review status: criteria provided, single submitter. Criteria: Invitae Variant Classification Sherloc (09022015). Collection method: clinical testing. Allele origin: germline.

PreventionGenetics, part of Exact Sciences
Classification: Likely benign for APC-related condition. Last evaluated: 2025-12-12. Review status: criteria provided, single submitter. Criteria: ACMG Guidelines, 2015. Collection method: clinical testing. Allele origin: germline.
Comment: This variant is classified as likely benign based on ACMG/AMP sequence variant interpretation guidelines (Richards et al. 2015 PMID: 25741868, with internal and published modifications).

Women's Health and Genetics/Laboratory Corporation of America, LabCorp
Classification: Likely benign. Last evaluated: 2025-05-06. Review status: criteria provided, single submitter. Criteria: LabCorp Variant Classification Summary - May 2015. Collection method: clinical testing. Allele origin: germline.
Comment: Variant summary: APC c.6637A>G (p.Met2213Val) results in a conservative amino acid change in the encoded protein sequence. Algorithms developed to predict the effect of missense changes on protein structure and function all suggest that this variant is likely to be tolerated. The variant allele was found at a frequency of 5e-05 in 281106 control chromosomes, predominantly at a frequency of 0.0005 within the African or African-American subpopulation in the gnomAD database. The observed variant frequency within African or African-American control individuals in the gnomAD database is approximately 7 fold of the estimated maximal expected allele frequency for a pathogenic variant in APC causing Familial Adenomatous Polyposis phenotype (7.1e-05). c.6637A>G has been observed in at least one individual affected with Lynch Syndrome (Yurgelun_2015). This report does not provide unequivocal conclusions about association of the variant with Familial Adenomatous Polyposis. To our knowledge, no experimental evidence demonstrating an impact on protein function has been reported. The following publication has been ascertained in the context of this evaluation (PMID: 25980754). ClinVar contains an entry for this variant (Variation ID: 142044). Based on the evidence outlined above, the variant was classified as likely benign.

Myriad Genetics, Inc.
Classification: Likely benign for Familial adenomatous polyposis 1. Last evaluated: 2025-01-29. Review status: criteria provided, single submitter. Criteria: Myriad Autosomal Dominant, Autosomal Recessive and X-Linked Classification Criteria (2023). Collection method: clinical testing. Allele origin: unknown.
Comment: This variant is considered likely benign. This variant has been observed at a population frequency that is significantly greater than expected given the associated disease prevalence and penetrance.

Mendelics
Classification: Likely benign for Hereditary cancer. Last evaluated: 2024-01-23. Review status: criteria provided, single submitter. Criteria: ACMG Guidelines, 2015. Collection method: clinical testing. Allele origin: unknown.

Color Diagnostics, LLC DBA Color Health
Classification: Likely benign for Hereditary cancer-predisposing syndrome. Last evaluated: 2023-06-20. Review status: criteria provided, single submitter. Criteria: ACMG Guidelines, 2015. Collection method: clinical testing. Allele origin: germline.

Quest Diagnostics Nichols Institute San Juan Capistrano
Classification: Likely benign. Last evaluated: 2023-04-19. Review status: criteria provided, single submitter. Criteria: Quest Diagnostics criteria. Collection method: clinical testing. Allele origin: unknown.

GeneDx
Classification: Uncertain significance. Last evaluated: 2022-12-29. Review status: criteria provided, single submitter. Criteria: GeneDx Variant Classification Process June 2021. Collection method: clinical testing. Allele origin: germline. Affected: yes.
Comment: In silico analysis supports that this missense variant does not alter protein structure/function; Observed in individuals with a personal or family history including breast and Lynch syndrome-associated cancer and/or polyps (Yurgelun et al., 2015; Dutil et al., 2019); This variant is associated with the following publications: (PMID: 25980754, 31780696, 18199528)

Sema4
Classification: Uncertain significance for Hereditary cancer-predisposing syndrome. Last evaluated: 2022-02-19. Review status: criteria provided, single submitter. Criteria: Sema4 Curation Guidelines. Collection method: curation. Allele origin: germline.
Comment: The APC c.6637A>G (p.M2213V) variant has been reported in an individual with breast cancer and an individual undergoing testing for Lynch syndrome (PMID: 31780696, 25980754). This variant was observed in 12/24224 chromosomes in the African/African American population, according to the Genome Aggregation Database (PMID: 32461654). The variant has been reported in ClinVar (Variation ID 142044). Functional studies have not been performed, and in silico predictions of the variant's effect on protein function are inconclusive. The evidence is insufficient to meet ACMG/AMP criteria for classifying the variant as benign or pathogenic. Thus, the clinical significance of this variant is currently uncertain.

Ambry Genetics
Classification: Benign for Hereditary cancer-predisposing syndrome. Last evaluated: 2021-05-03. Review status: criteria provided, single submitter. Criteria: Ambry Variant Classification Scheme 2023. Collection method: clinical testing. Allele origin: germline.

Counsyl
Classification: Uncertain significance for Familial adenomatous polyposis 1. Last evaluated: 2016-03-17. Review status: no assertion criteria provided. Collection method: clinical testing. Allele origin: unknown. Not counted in ClinVar's aggregate classification.

Literature cited by the submitters: PubMed 25980754 (cited by 4 submitters); PubMed 31780696 (cited by 3 submitters).